The following is an entry in ClinVar:

ClinVar aggregate classification (germline): Conflicting classifications of pathogenicity. Review status: criteria provided, conflicting classifications (1 of 4 stars). 2 submissions from 2 submitters: Uncertain significance (1); Likely benign (1). Last evaluated 2026-01-28.

Conditions:
Hereditary cancer-predisposing syndrome. Also called: Neoplastic Syndromes, Hereditary; Tumor predisposition; Hereditary Cancer Syndrome; Hereditary neoplastic syndrome. Identifiers: Orphanet 140162, MedGen C0027672, MeSH D009386, MONDO:0015356.
Gorlin syndrome. Also called: Nevoid Basal Cell Carcinoma Syndrome; Basal cell nevus syndrome. Identifiers: Orphanet 377, MedGen C0004779, MONDO:0007187.

Allele frequency attached by ClinVar (database versions not stated): gnomAD 0.00001; gnomAD exomes 0.00001 and 0.00002; ExAC 0.00004.
gnomAD v4.1: 11 of 1,613,946 alleles (0.00068%); highest among the groups gnomAD compares: Non-Finnish European, 0.00059%; no homozygotes.

Submissions (2):

Labcorp Genetics (formerly Invitae), Labcorp
Classification: Likely benign for Gorlin syndrome. Last evaluated: 2026-01-28. Review status: criteria provided, single submitter. Criteria: Invitae Variant Classification Sherloc (09022015). Collection method: clinical testing. Allele origin: germline.

Ambry Genetics
Classification: Uncertain significance for Hereditary cancer-predisposing syndrome. Last evaluated: 2025-04-13. Review status: criteria provided, single submitter. Criteria: Ambry Variant Classification Scheme 2023. Collection method: clinical testing. Allele origin: germline.
Comment: The p.F1177V variant (also known as c.3529T>G), located in coding exon 21 of the PTCH1 gene, results from a T to G substitution at nucleotide position 3529. The phenylalanine at codon 1177 is replaced by valine, an amino acid with highly similar properties. This amino acid position is conserved. In addition, the in silico prediction for this alteration is inconclusive. Since supporting evidence is limited at this time, the clinical significance of this alteration remains unclear.

NM_000264.5(PTCH1):c.3529T>G (p.Phe1177Val)

Gene: PTCH1 (patched 1; minus strand). Cytogenetic location: 9q22.32.
Variant type: single nucleotide variant.
Coding change: c.3529T>G on transcript NM_000264.5 (MANE Select); coding-DNA position 3529, T replaced by G.
Protein change: p.Phe1177Val; replaces phenylalanine 1177 with valine.
Molecular consequence: missense variant. On other transcripts: non-coding transcript variant (1).
Genome position (GRCh38, 1-based): chr9:95,449,861, A>C on the plus strand (T>G on the coding strand, the complement: PTCH1 is on the minus strand). VCF-style: chr9-95449861-A-C. GRCh37 (hg19) VCF-style: chr9-98212143-A-C.
Other names: c.3331T>G, p.Phe1111Val (NM_001083602.3); c.3526T>G, p.Phe1176Val (NM_001083603.3); c.3076T>G, p.Phe1026Val (NM_001083604.3, NM_001083605.3, NM_001083606.3 and 1 more transcripts); c.3373T>G, p.Phe1125Val (NM_001354918.2); short protein forms F1111V, F1177V, F1026V, F1125V, F1176V.
Identifiers: ClinVar variation 524528 (VCV000524528.12), dbSNP rs772200521, ClinGen allele CA5138124.